The following is an entry in ClinVar:

NM_004360.5(CDH1):c.1768G>T (p.Asp590Tyr)

Gene: CDH1 (cadherin 1; plus strand). Cytogenetic location: 16q22.1.
Variant type: single nucleotide variant.
Coding change: c.1768G>T on transcript NM_004360.5 (MANE Select); coding-DNA position 1768, G replaced by T.
Protein change: p.Asp590Tyr; replaces aspartic acid 590 with tyrosine.
Molecular consequence: missense variant. On other transcripts: 5 prime UTR variant (1).
Genome position (GRCh38, 1-based): chr16:68,822,057, G>T. VCF-style: chr16-68822057-G-T. GRCh37 (hg19) VCF-style: chr16-68855960-G-T.
Other names: c.1585G>T, p.Asp529Tyr (NM_001317184.2); c.220G>T, p.Asp74Tyr (NM_001317185.2); c.-198G>T (NM_001317186.2); short protein forms D529Y, D74Y, D590Y.
Identifiers: ClinVar variation 5033911 (VCV005033911.1).

ClinVar aggregate classification (germline): Uncertain significance (1 of 4 stars; one submission).

Conditions:
Hereditary cancer-predisposing syndrome. Also called: Neoplastic Syndromes, Hereditary; Tumor predisposition; Hereditary neoplastic syndrome; Hereditary Cancer Syndrome. Identifiers: Orphanet 140162, MedGen C0027672, MeSH D009386, MONDO:0015356.

Submission:

Ambry Genetics
Classification: Uncertain significance for Hereditary cancer-predisposing syndrome. Last evaluated: 2026-07-06. Review status: criteria provided, single submitter. Criteria: Ambry Variant Classification Scheme 2023. Collection method: clinical testing. Allele origin: germline.
Comment: The p.D590Y variant (also known as c.1768G>T), located in coding exon 12 of the CDH1 gene, results from a G to T substitution at nucleotide position 1768. The aspartic acid at codon 590 is replaced by tyrosine, an amino acid with highly dissimilar properties. This amino acid position is conserved. In addition, this alteration is predicted to be deleterious by in silico analysis. Based on the available evidence, the clinical significance of this variant remains unclear.